The following is an entry in ClinVar:

ClinVar aggregate classification (germline): Uncertain significance. Review status: criteria provided, multiple submitters, no conflicts (2 of 4 stars). 2 submissions from 2 submitters: Uncertain significance (2). Last evaluated 2025-05-12.

Conditions:
Gorlin syndrome. Also called: Nevoid Basal Cell Carcinoma Syndrome; Basal cell nevus syndrome. Identifiers: Orphanet 377, MedGen C0004779, MONDO:0007187.
Hereditary cancer-predisposing syndrome. Also called: Tumor predisposition; Hereditary neoplastic syndrome; Neoplastic Syndromes, Hereditary; Hereditary Cancer Syndrome. Identifiers: Orphanet 140162, MedGen C0027672, MeSH D009386, MONDO:0015356.

Submissions (2):

Labcorp Genetics (formerly Invitae), Labcorp
Classification: Uncertain significance for Gorlin syndrome. Last evaluated: 2025-05-12. Review status: criteria provided, single submitter. Criteria: Invitae Variant Classification Sherloc (09022015). Collection method: clinical testing. Allele origin: germline.
Comment: This variant, c.1301_1303del, results in the deletion of 1 amino acid(s) of the PTCH1 protein (p.Phe434del), but otherwise preserves the integrity of the reading frame. This variant is not present in population databases (gnomAD no frequency). This variant has not been reported in the literature in individuals affected with PTCH1-related conditions. ClinVar contains an entry for this variant (Variation ID: 2497339). Experimental studies and prediction algorithms are not available or were not evaluated, and the functional significance of this variant is currently unknown. In summary, the available evidence is currently insufficient to determine the role of this variant in disease. Therefore, it has been classified as a Variant of Uncertain Significance.

Ambry Genetics
Classification: Uncertain significance for Hereditary cancer-predisposing syndrome. Last evaluated: 2022-11-09. Review status: criteria provided, single submitter. Criteria: Ambry Variant Classification Scheme 2023. Collection method: clinical testing. Allele origin: germline.
Comment: The c.1301_1303delTCT variant (also known as p.F434del) is located in coding exon 9 of the PTCH1 gene. This variant results from an in-frame TCT deletion at nucleotide positions 1301 to 1303. This results in the in-frame deletion of a phenylalanine at codon 434. This amino acid position is highly conserved in available vertebrate species. In addition, this alteration is predicted to be deleterious by in silico analysis (Choi Y et al. PLoS ONE. 2012; 7(10):e46688). Since supporting evidence is limited at this time, the clinical significance of this alteration remains unclear.

NM_000264.5(PTCH1):c.1301_1303del (p.Phe434del)

Gene: PTCH1 (patched 1; minus strand). Cytogenetic location: 9q22.32.
Variant type: Deletion.
Coding change: c.1301_1303del on transcript NM_000264.5 (MANE Select); coding-DNA positions 1301 to 1303, 3 bases deleted (TCT; older notation c.1301_1303delTCT).
Protein change: p.Phe434del; deletes phenylalanine 434.
Molecular consequence: inframe deletion. On other transcripts: inframe indel (1), non-coding transcript variant (1).
Genome position (GRCh38, 1-based): chr9:95,478,099-95,478,101, AGA deleted on the plus strand (TCT on the coding strand, the reverse complement: PTCH1 is on the minus strand); deleting any 3 consecutive bases within chr9:95,478,099-95,478,103 gives the same sequence; the c. name uses the placement nearest the transcript's 3' end. VCF-style (leftmost placement, unchanged base first): chr9-95478098-GAGA-G. GRCh37 (hg19) VCF-style: chr9-98240380-GAGA-G.
Other names: c.1301_1303delTCT (NM_000264.3); c.1103_1105del, p.Phe368del (NM_001083602.3); c.1298_1300del, p.Phe433del (NM_001083603.3); c.848_850del, p.Phe283del (NM_001083604.3, NM_001083605.3, NM_001083606.3 and 1 more transcripts); c.1301_1303del, p.Phe434del (NM_001354918.2); short protein forms F283del, F433del, F368del, F434del.
Identifiers: ClinVar variation 2497339 (VCV002497339.3), dbSNP rs2538210263, ClinGen allele CA2580080844.